The following is an entry in ClinVar:

ClinVar aggregate classification (germline): Conflicting classifications of pathogenicity. Review status: criteria provided, conflicting classifications (1 of 4 stars). 9 submissions from 8 submitters: Uncertain significance (3); Likely benign (6). Last evaluated 2026-08-01.

Conditions:
Ehlers-Danlos syndrome, spondylodysplastic type, 1 (EDSSPD1). Also called: XGPT DEFICIENCY; XYLOSYLPROTEIN 4-BETA-GALACTOSYLTRANSFERASE DEFICIENCY; Ehlers-Danlos syndrome progeroid type; DERMATAN SULFATE PROTEOGLYCAN; EHLERS-DANLOS SYNDROME, PROGEROID TYPE, 1; GALACTOSYLTRANSFERASE I DEFICIENCY. Identifiers: Orphanet 75496, MedGen C4552003, MONDO:0020682, OMIM 130070.
Spondylodysplastic Ehlers-Danlos syndrome. Identifiers: Orphanet 536471, Orphanet 75496, MedGen C5680154, MONDO:0007526.

Allele frequency attached by ClinVar (database versions not stated): gnomAD exomes 0.00008 and 0.00009; TOPMed 0.00009; gnomAD 0.00013 and 0.00015; 1000 Genomes Project 30x 0.00031.
gnomAD v4.1: 160 of 1,613,938 alleles (0.0099%); highest among the groups gnomAD compares: Non-Finnish European, 0.012%; no homozygotes.

Submissions (9):

CeGaT Center for Human Genetics Tuebingen
Classification: Likely benign. Last evaluated: 2026-08-01. Review status: criteria provided, single submitter. Criteria: CeGaT Center For Human Genetics Tuebingen Variant Classification Criteria Version 2. Collection method: clinical testing. Allele origin: germline. Affected: yes. Observed: 5 variant alleles.
Comment: B4GALT7: BP4, BP7

Labcorp Genetics (formerly Invitae), Labcorp
Classification: Likely benign for Spondylodysplastic Ehlers-Danlos syndrome. Last evaluated: 2026-01-11. Review status: criteria provided, single submitter. Criteria: Invitae Variant Classification Sherloc (09022015). Collection method: clinical testing. Allele origin: germline.

Mayo Clinic Laboratories, Mayo Clinic
Classification: Likely benign. Last evaluated: 2025-07-04. Review status: criteria provided, single submitter. Criteria: ACMG Guidelines, 2015. Collection method: clinical testing. Allele origin: germline. Observed: 2 variant alleles.
Comment: BP4, BP7

Women's Health and Genetics/Laboratory Corporation of America, LabCorp
Classification: Likely benign. Last evaluated: 2025-01-14. Review status: criteria provided, single submitter. Criteria: LabCorp Variant Classification Summary - May 2015. Collection method: clinical testing. Allele origin: germline.

Blueprint Genetics
Classification: Likely benign. Last evaluated: 2024-09-18. Review status: criteria provided, single submitter. Criteria: ACMG Guidelines, 2015. Collection method: clinical testing. Allele origin: germline.

Center for Genomics, Ann and Robert H. Lurie Children's Hospital of Chicago
Classification: Uncertain significance for Ehlers-Danlos syndrome, spondylodysplastic type, 1. Last evaluated: 2021-03-30. Review status: criteria provided, single submitter. Criteria: ACMG Guidelines, 2015. Collection method: clinical testing. Allele origin: germline.
Comment: B4GALT7 NM_007255.2 exon 4 p.Asp229= (c.687C>T): This variant has not been reported in the literature but is present in 15/126532 European alleles in the Genome Aggregation Database. This variant is present in ClinVar (Variation ID:197288). Evolutionary conservation and computational predictive tools for this variant are limited or unavailable. Of note, this variant is a silent variant and does not change the amino acid, reducing the probability that this variant is disease causing. In summary, data on this variant is insufficient for disease classification. Therefore, the clinical significance of this variant is uncertain.

GeneDx
Classification: Likely benign. Last evaluated: 2021-03-04. Review status: criteria provided, single submitter. Criteria: GeneDx Variant Classification Process June 2021. Collection method: clinical testing. Allele origin: germline. Affected: yes.

Center for Genomics, Ann and Robert H. Lurie Children's Hospital of Chicago
Classification: Uncertain significance for Ehlers-Danlos syndrome, spondylodysplastic type, 1. Last evaluated: 2018-07-23. Review status: criteria provided, single submitter. Criteria: ACMG Guidelines, 2015. Collection method: clinical testing. Allele origin: germline.
Comment: the same text as in the submission from Center for Genomics, Ann and Robert H. Lurie Children's Hospital of Chicago above.

Eurofins Ntd Llc (ga)
Classification: Uncertain significance. Last evaluated: 2014-12-23. Review status: criteria provided, single submitter. Criteria: EGL Classification Definitions 2015. Collection method: clinical testing. Allele origin: germline. Observed: 1 variant allele, 1 heterozygote.

NM_007255.3(B4GALT7):c.687C>T (p.Asp229=)

Gene: B4GALT7 (beta-1,4-galactosyltransferase 7; plus strand). Cytogenetic location: 5q35.3.
Variant type: single nucleotide variant.
Coding change: c.687C>T on transcript NM_007255.3 (MANE Select); coding-DNA position 687, C replaced by T.
Protein change: p.Asp229=; no amino-acid change (aspartic acid 229 retained).
Molecular consequence: synonymous variant.
Genome position (GRCh38, 1-based): chr5:177,608,586, C>T. VCF-style: chr5-177608586-C-T. GRCh37 (hg19) VCF-style: chr5-177035587-C-T.
Other names: p.Asp229=.
Identifiers: ClinVar variation 197288 (VCV000197288.51), dbSNP rs756942664, ClinGen allele CA245336.